The following is an entry in ClinVar:

ClinVar aggregate classification (germline): Uncertain significance. Review status: criteria provided, multiple submitters, no conflicts (2 of 4 stars). 2 submissions from 2 submitters: Uncertain significance (2). Last evaluated 2025-08-22.

Conditions:
Hereditary cancer-predisposing syndrome. Also called: Hereditary neoplastic syndrome; Tumor predisposition; Hereditary Cancer Syndrome; Neoplastic Syndromes, Hereditary. Identifiers: Orphanet 140162, MedGen C0027672, MeSH D009386, MONDO:0015356.
Rhabdoid tumor predisposition syndrome 2 (RTPS2). Identifiers: Orphanet 231108, Orphanet 69077, MedGen C2750074, MONDO:0013224, OMIM 613325.

Submissions (2):

Ambry Genetics
Classification: Uncertain significance for Hereditary cancer-predisposing syndrome. Last evaluated: 2025-08-22. Review status: criteria provided, single submitter. Criteria: Ambry Variant Classification Scheme 2023. Collection method: clinical testing. Allele origin: germline.
Comment: The p.P295L variant (also known as c.884C>T), located in coding exon 5 of the SMARCA4 gene, results from a C to T substitution at nucleotide position 884. The proline at codon 295 is replaced by leucine, an amino acid with similar properties. This amino acid position is conserved. In addition, the in silico prediction for this alteration is inconclusive. Based on the available evidence, the clinical significance of this variant remains unclear.

Labcorp Genetics (formerly Invitae), Labcorp
Classification: Uncertain significance for Rhabdoid tumor predisposition syndrome 2. Last evaluated: 2022-04-13. Review status: criteria provided, single submitter. Criteria: Invitae Variant Classification Sherloc (09022015). Collection method: clinical testing. Allele origin: germline.
Comment: This sequence change replaces proline, which is neutral and non-polar, with leucine, which is neutral and non-polar, at codon 295 of the SMARCA4 protein (p.Pro295Leu). This variant is not present in population databases (gnomAD no frequency). This variant has not been reported in the literature in individuals affected with SMARCA4-related conditions. Algorithms developed to predict the effect of missense changes on protein structure and function (SIFT, PolyPhen-2, Align-GVGD) all suggest that this variant is likely to be disruptive. In summary, the available evidence is currently insufficient to determine the role of this variant in disease. Therefore, it has been classified as a Variant of Uncertain Significance.

NM_003072.5(SMARCA4):c.884C>T (p.Pro295Leu)

Gene: SMARCA4 (SWI/SNF related BAF chromatin remodeling complex subunit ATPase 4; plus strand). Cytogenetic location: 19p13.2.
Variant type: single nucleotide variant.
Coding change: c.884C>T on transcript NM_003072.5 (MANE Select); coding-DNA position 884, C replaced by T.
Protein change: p.Pro295Leu; replaces proline 295 with leucine.
Molecular consequence: missense variant. On other transcripts: non-coding transcript variant (1).
Genome position (GRCh38, 1-based): chr19:10,987,690, C>T. VCF-style: chr19-10987690-C-T. GRCh37 (hg19) VCF-style: chr19-11098366-C-T.
Other names: c.884C>T (NM_001128849.1); c.884C>T, p.Pro295Leu (NM_001128844.3, NM_001128845.2, NM_001128846.2 and 6 more transcripts); short protein forms P295L.
Identifiers: ClinVar variation 1949760 (VCV001949760.6), dbSNP rs2145814260, ClinGen allele CA404058377.